The following is an entry in ClinVar:

ClinVar aggregate classification (germline): Uncertain significance. Review status: reviewed by expert panel (3 of 4 stars). 10 submissions from 10 submitters: Uncertain significance (1). 9 of the submissions do not count toward it. Last evaluated 2026-08-04.

Conditions:
ATM-related disorder. Also called: ATM-related disorders; ATM-related condition.
ATM-related cancer predisposition. Also called: ATM-related cancer susceptibility. Identifiers: MedGen CN377759, MONDO:0700270.
Hereditary cancer-predisposing syndrome. Also called: Neoplastic Syndromes, Hereditary; Tumor predisposition; Hereditary Cancer Syndrome; Hereditary neoplastic syndrome. Identifiers: Orphanet 140162, MedGen C0027672, MeSH D009386, MONDO:0015356.
Ataxia-telangiectasia syndrome (AT). Also called: Cerebello-oculocutaneous telangiectasia; Immunodeficiency with ataxia telangiectasia; AT, COMPLEMENTATION GROUP C; ATAXIA-TELANGIECTASIA, COMPLEMENTATION GROUP A; ATAXIA-TELANGIECTASIA, FRESNO VARIANT; Ataxia-telangiectasia. Identifiers: Orphanet 100, MedGen C0004135, MONDO:0008840, OMIM 208900.
Familial cancer of breast. Also called: BREAST CANCER, FAMILIAL; Hereditary breast cancer; hereditary breast carcinoma. Identifiers: Orphanet 227535, MedGen C0346153, MONDO:0016419, OMIM 114480. Disease mechanism: loss of function.

Allele frequency attached by ClinVar (database versions not stated): TOPMed 0.00002; gnomAD 0.00003; ESP Exome Variant Server 0.00015.
gnomAD v4.1: 83 of 1,612,672 alleles (0.0051%); highest among the groups gnomAD compares: Non-Finnish European, 0.007%; no homozygotes.

Submissions (10):

ClinGen Hereditary Breast, Ovarian and Pancreatic Cancer Variant Curation Expert Panel, ClinGen
Classification: Uncertain significance for ATM-related cancer predisposition. Last evaluated: 2026-08-04. Review status: reviewed by expert panel. Criteria: ClinGen HBOP ACMG Specifications ATM V1.5.0. Collection method: curation. Allele origin: germline. Inheritance: Autosomal dominant inheritance.
Comment: The c.2838+9C>G variant in ATM is an intronic variant which occurs beyond the splice donor region. The computational splicing predictor SpliceAI gives a score of 0.06 for donor loss suggesting that the variant has no impact on splicing. However, RNA studies demonstrate skipping of biologically-relevant-exon, resulting in a frameshift causing a premature stop codon in biologically-relevant-exon leading to nonsense mediated decay in a gene in which loss-of-function is an established disease mechanism (personal communication). This alteration results in a termination codon upstream of the most C-terminus pathogenic alteration (ATM p.Arg3047*), as classified by the HBOP VCEP, and is expected to be more deleterious. This variant has been observed in at least two unrelated individuals without Ataxia-Telangiectasia who have different co-occurring pathogenic variants (personal communication). The highest population minor allele frequency in gnomAD v4.1.1 is 0.00002323 in European (non-Finnish) population (PM2_Supporting, BS1, and BA1 are not met). In summary, this variant meets the criteria to be classified as variant of unknown significance for autosomal dominant ATM-related cancer predisposition and autosomal recessive Ataxia-Telangiectasia based on the ACMG/AMP criteria applied, as specified by the HBOP VCEP. (PVS1_[RNA], PM5_Supporting, BP2_Strong)

GeneDx
Classification: Likely pathogenic. Last evaluated: 2026-03-16. Review status: criteria provided, single submitter. Criteria: GeneDx Variant Classification Process June 2021. Collection method: clinical testing. Allele origin: germline. Affected: yes. Not counted in ClinVar's aggregate classification.
Comment: Not observed at significant frequency in large population cohorts (gnomAD); Has not been previously published as pathogenic or benign to our knowledge

Labcorp Genetics (formerly Invitae), Labcorp
Classification: Likely pathogenic for Ataxia-telangiectasia syndrome. Last evaluated: 2026-01-21. Review status: criteria provided, single submitter. Criteria: Invitae Variant Classification Sherloc (09022015). Collection method: clinical testing. Allele origin: germline. Not counted in ClinVar's aggregate classification.
Comment: This sequence change falls in intron 18 of the ATM gene. It does not directly change the encoded amino acid sequence of the ATM protein. RNA analysis indicates that this variant induces altered splicing and may result in an absent or altered protein product. This variant is present in population databases (rs370160823, gnomAD 0.002%). This variant has not been reported in the literature in individuals affected with ATM-related conditions. ClinVar contains an entry for this variant (Variation ID: 215578). Studies have shown that this variant results in skipping of exon 18, and produces a non-functional protein and/or introduces a premature termination codon (internal data). In summary, the currently available evidence indicates that the variant is pathogenic, but additional data are needed to prove that conclusively. Therefore, this variant has been classified as Likely Pathogenic.

Ambry Genetics
Classification: Likely pathogenic for Hereditary cancer-predisposing syndrome. Last evaluated: 2025-12-17. Review status: criteria provided, single submitter. Criteria: Ambry Variant Classification Scheme 2023. Collection method: clinical testing. Allele origin: germline. Not counted in ClinVar's aggregate classification.
Comment: The c.2838+9C>G intronic variant results from a C to G substitution 9 nucleotides after coding exon 17 in the ATM gene. This nucleotide position is not well conserved in available vertebrate species. In silico splice site analysis predicts that this alteration will not have any significant effect on splicing; however, RNA studies have demonstrated that this alteration results in abnormal splicing in the set of samples tested (Ambry internal data). Another alteration impacting the same donor site (c.2838+1G>A) has been shown to have a similar impact on splicing in RNA studies (Ambry internal data) and has been reported in multiple individuals diagnosed with ataxia telangiectasia (A-T) (Buzin CH et al. Hum Mutat, 2003 Feb;21:123-31; Fusaro M et al. J Allergy Clin Immunol, 2021 02;147:734-737). Based on the majority of available evidence to date, this variant is likely to be pathogenic.

Myriad Genetics, Inc.
Classification: Uncertain significance for Familial cancer of breast. Last evaluated: 2025-12-02. Review status: criteria provided, single submitter. Criteria: Myriad Autosomal Dominant, Autosomal Recessive and X-Linked Classification Criteria (2023). Collection method: clinical testing. Allele origin: unknown. Not counted in ClinVar's aggregate classification.
Comment: This variant is classified as a variant of uncertain significance as there is insufficient evidence to determine its impact on protein function and/or cancer risk.

Quest Diagnostics Nichols Institute San Juan Capistrano
Classification: Uncertain significance. Last evaluated: 2025-09-22. Review status: criteria provided, single submitter. Criteria: Quest Diagnostics criteria. Collection method: clinical testing. Allele origin: unknown. Not counted in ClinVar's aggregate classification.

Color Diagnostics, LLC DBA Color Health
Classification: Uncertain significance for Hereditary cancer-predisposing syndrome. Last evaluated: 2024-11-21. Review status: criteria provided, single submitter. Criteria: ACMG Guidelines, 2015. Collection method: clinical testing. Allele origin: germline. Not counted in ClinVar's aggregate classification.
Comment: This variant causes a C to G nucleotide substitution at the +9 position of intron 18/62 of the ATM gene. This variant has been reported to impact RNA splicing by an external laboratory, however, detailed data are not available for review (ClinVar Accession: SCV003911251.2). To our knowledge, RNA studies have not been reported for this variant. This variant has not been reported in individuals affected with ATM-related disorders in the literature. This variant has been identified in 3/282512 chromosomes in the general population by the Genome Aggregation Database (gnomAD). The available evidence is insufficient to determine the role of this variant in disease conclusively. Therefore, this variant is classified as a Variant of Uncertain Significance.

Blueprint Genetics
Classification: Likely benign. Last evaluated: 2024-09-13. Review status: criteria provided, single submitter. Criteria: ACMG Guidelines, 2015. Collection method: clinical testing. Allele origin: germline. Not counted in ClinVar's aggregate classification.

Department of Pathology and Laboratory Medicine, Sinai Health System
Classification: Likely benign for Familial cancer of breast. Last evaluated: 2019-10-16. Review status: criteria provided, single submitter. Criteria: ACMG Guidelines, 2015. Collection method: clinical testing. Allele origin: germline. Affected: yes. Not counted in ClinVar's aggregate classification.

PreventionGenetics, part of Exact Sciences
Classification: Likely benign for ATM-related condition. Last evaluated: 2024-03-20. Review status: no assertion criteria provided. Collection method: clinical testing. Allele origin: germline. Not counted in ClinVar's aggregate classification.
Comment: This variant is classified as likely benign based on ACMG/AMP sequence variant interpretation guidelines (Richards et al. 2015 PMID: 25741868, with internal and published modifications).

NM_000051.4(ATM):c.2838+9C>G

Gene: ATM (ATM serine/threonine kinase; plus strand). Cytogenetic location: 11q22.3.
Variant type: single nucleotide variant.
Coding change: c.2838+9C>G on transcript NM_000051.4 (MANE Select); 9 bases into the intron after coding-DNA position 2838, C replaced by G.
Molecular consequence: intron variant.
Genome position (GRCh38, 1-based): chr11:108,268,618, C>G. VCF-style: chr11-108268618-C-G. GRCh37 (hg19) VCF-style: chr11-108139345-C-G.
Other names: c.2838+9C>G (NM_001351834.2).
Identifiers: ClinVar variation 215578 (VCV000215578.27), dbSNP rs370160823, ClinGen allele CA337973.
Genomic context (GRCh38, chr11:108,268,618, plus strand): 5'-GTTAATTGATTCTAGCACGCTAGAACCTACCAAATCCCTCCACCTGCATATGGTGAGTTA[C>G]GTTAAATGAAGAAGCTCTTGGATTTTATCTGATGTTGCTGACTAAATGTAATGAGTTGAC-3'